The following is an entry in ClinVar:

ClinVar aggregate classification (germline): Uncertain significance (1 of 4 stars; one submission).

Submission:

Labcorp Genetics (formerly Invitae), Labcorp
Classification: Uncertain significance. Last evaluated: 2022-04-08. Review status: criteria provided, single submitter. Criteria: Invitae Variant Classification Sherloc (09022015). Collection method: clinical testing. Allele origin: germline.
Comment: This sequence change replaces leucine, which is neutral and non-polar, with serine, which is neutral and polar, at codon 704 of the ALPK3 protein (p.Leu704Ser). This variant is present in population databases (no rsID available, gnomAD 0.04%). This variant has not been reported in the literature in individuals affected with ALPK3-related conditions. Algorithms developed to predict the effect of missense changes on protein structure and function are either unavailable or do not agree on the potential impact of this missense change (SIFT: "Not Available"; PolyPhen-2: "Benign"; Align-GVGD: "Not Available"). In summary, the available evidence is currently insufficient to determine the role of this variant in disease. Therefore, it has been classified as a Variant of Uncertain Significance.

NM_020778.5(ALPK3):c.1504_1505delinsTC (p.Leu502Ser)

Genes: ALPK3 (alpha kinase 3; plus strand), LOC111718493 (skeletal muscle cis-regulatory module overlapping ALPK3; plus strand). Cytogenetic location: 15q25.3.
Variant type: Indel.
Coding change: c.1504_1505delinsTC on transcript NM_020778.5 (MANE Select); coding-DNA positions 1504 to 1505, CT replaced by TC.
Protein change: p.Leu502Ser; replaces leucine 502 with serine.
Molecular consequence: missense variant.
Genome position (GRCh38, 1-based): chr15:84,840,783-84,840,784, CT replaced by TC. VCF-style: chr15-84840783-CT-TC. GRCh37 (hg19) VCF-style: chr15-85384014-CT-TC.
Other names: short protein forms L502S.
Identifiers: ClinVar variation 1962670 (VCV001962670.5), dbSNP rs2505706798, ClinGen allele CA2580090129.